The following is an entry in ClinVar:

NM_002528.7(NTHL1):c.107C>G (p.Ala36Gly)

Gene: NTHL1 (nth like DNA glycosylase 1; minus strand). Cytogenetic location: 16p13.3.
Variant type: single nucleotide variant.
Coding change: c.107C>G on transcript NM_002528.7 (MANE Select); coding-DNA position 107, C replaced by G.
Protein change: p.Ala36Gly; replaces alanine 36 with glycine.
Molecular consequence: missense variant. On other transcripts: 5 prime UTR variant (1).
Genome position (GRCh38, 1-based): chr16:2,047,717, G>C on the plus strand (C>G on the coding strand, the complement: NTHL1 is on the minus strand). VCF-style: chr16-2047717-G-C. GRCh37 (hg19) VCF-style: chr16-2097718-G-C.
Other names: c.131C>G (NM_002528.5); c.107C>G, p.Ala36Gly (NM_001318193.2); c.-72C>G (NM_001318194.2); short protein forms A36G.
Identifiers: ClinVar variation 1481831 (VCV001481831.8), dbSNP rs772384035, ClinGen allele CA027458.

ClinVar aggregate classification (germline): Uncertain significance. Review status: criteria provided, multiple submitters, no conflicts (2 of 4 stars). 2 submissions from 2 submitters: Uncertain significance (2). Last evaluated 2025-09-17.

Conditions:
Hereditary cancer-predisposing syndrome. Also called: Tumor predisposition; Hereditary Cancer Syndrome; Hereditary neoplastic syndrome; Neoplastic Syndromes, Hereditary. Identifiers: Orphanet 140162, MedGen C0027672, MeSH D009386, MONDO:0015356.

Allele frequency attached by ClinVar (database versions not stated): gnomAD exomes 0.00001; ExAC 0.00003.
gnomAD v4.1: 7 of 1,581,858 alleles (0.00044%); highest among the groups gnomAD compares: Non-Finnish European, 0.0006%; no homozygotes.

Submissions (2):

Labcorp Genetics (formerly Invitae), Labcorp
Classification: Uncertain significance. Last evaluated: 2025-09-17. Review status: criteria provided, single submitter. Criteria: Invitae Variant Classification Sherloc (09022015). Collection method: clinical testing. Allele origin: germline.
Comment: This sequence change replaces alanine, which is neutral and non-polar, with glycine, which is neutral and non-polar, at codon 44 of the NTHL1 protein (p.Ala44Gly). This variant is present in population databases (rs772384035, gnomAD 0.001%). This variant has not been reported in the literature in individuals affected with NTHL1-related conditions. ClinVar contains an entry for this variant (Variation ID: 1481831). An algorithm developed to predict the effect of missense changes on protein structure and function (PolyPhen-2) suggests that this variant is likely to be tolerated. In summary, the available evidence is currently insufficient to determine the role of this variant in disease. Therefore, it has been classified as a Variant of Uncertain Significance.

Ambry Genetics
Classification: Uncertain significance for Hereditary cancer-predisposing syndrome. Last evaluated: 2023-01-12. Review status: criteria provided, single submitter. Criteria: Ambry Variant Classification Scheme 2023. Collection method: clinical testing. Allele origin: germline.
Comment: The p.A44G variant (also known as c.131C>G), located in coding exon 1 of the NTHL1 gene, results from a C to G substitution at nucleotide position 131. The alanine at codon 44 is replaced by glycine, an amino acid with similar properties. This amino acid position is conserved. In addition, this alteration is predicted to be tolerated by in silico analysis. Since supporting evidence is limited at this time, the clinical significance of this alteration remains unclear.